The following is an entry in ClinVar:

NM_000321.3(RB1):c.352A>T (p.Thr118Ser)

Gene: RB1 (RB transcriptional corepressor 1; plus strand). Cytogenetic location: 13q14.2.
Variant type: single nucleotide variant.
Coding change: c.352A>T on transcript NM_000321.3 (MANE Select); coding-DNA position 352, A replaced by T.
Protein change: p.Thr118Ser; replaces threonine 118 with serine.
Molecular consequence: missense variant.
Genome position (GRCh38, 1-based): chr13:48,342,686, A>T. VCF-style: chr13-48342686-A-T. GRCh37 (hg19) VCF-style: chr13-48916822-A-T.
Other names: short protein forms T118S.
Identifiers: ClinVar variation 854366 (VCV000854366.13), dbSNP rs1429553692, ClinGen allele CA388252511.

ClinVar aggregate classification (germline): Uncertain significance. Review status: criteria provided, multiple submitters, no conflicts (2 of 4 stars). 3 submissions from 3 submitters: Uncertain significance (3). Last evaluated 2025-04-29.

Conditions:
Hereditary cancer-predisposing syndrome. Also called: Neoplastic Syndromes, Hereditary; Hereditary Cancer Syndrome; Tumor predisposition; Hereditary neoplastic syndrome. Identifiers: Orphanet 140162, MedGen C0027672, MeSH D009386, MONDO:0015356.
Bone osteosarcoma. Also called: Osteosarcoma, somatic. Identifiers: Orphanet 668, MedGen C0585442, MONDO:0002629, OMIM 259500.
Malignant tumor of urinary bladder. Also called: Bladder cancer; Urinary Bladder Neoplasms; Urinary bladder cancer. Identifiers: MedGen C0005684, MONDO:0001187, OMIM 109800.
Retinoblastoma (RB1). Also called: RETINOBLASTOMA, SOMATIC. Identifiers: Orphanet 790, MedGen C0035335, MeSH D012175, MONDO:0008380, OMIM 180200, HP:0009919. Disease mechanism: loss of function. Inheritance: Both sporadic and heritable forms are tested..
Small cell lung carcinoma. Also called: Lung oat cell carcinoma; Small cell lung cancer; SMALL CELL CANCER OF THE LUNG, SOMATIC. Identifiers: Orphanet 70573, MedGen C0149925, MeSH D055752, MONDO:0008433, OMIM 182280, HP:0030357.

Allele frequency attached by ClinVar (database versions not stated): gnomAD exomes below 0.00001; gnomAD 0.00001.
gnomAD v4.1: 6 of 1,608,792 alleles (0.00037%); highest among the groups gnomAD compares: Non-Finnish European, 0.00051%; no homozygotes.

Submissions (3):

Labcorp Genetics (formerly Invitae), Labcorp
Classification: Uncertain significance for Retinoblastoma. Last evaluated: 2025-04-29. Review status: criteria provided, single submitter. Criteria: Invitae Variant Classification Sherloc (09022015). Collection method: clinical testing. Allele origin: germline.
Comment: This sequence change replaces threonine, which is neutral and polar, with serine, which is neutral and polar, at codon 118 of the RB1 protein (p.Thr118Ser). This variant is present in population databases (no rsID available, gnomAD 0.002%). This variant has not been reported in the literature in individuals affected with RB1-related conditions. ClinVar contains an entry for this variant (Variation ID: 854366). Invitae Evidence Modeling of protein sequence and biophysical properties (such as structural, functional, and spatial information, amino acid conservation, physicochemical variation, residue mobility, and thermodynamic stability) indicates that this missense variant is not expected to disrupt RB1 protein function with a negative predictive value of 80%. In summary, the available evidence is currently insufficient to determine the role of this variant in disease. Therefore, it has been classified as a Variant of Uncertain Significance.

Ambry Genetics
Classification: Uncertain significance for Hereditary cancer-predisposing syndrome. Last evaluated: 2024-03-07. Review status: criteria provided, single submitter. Criteria: Ambry Variant Classification Scheme 2023. Collection method: clinical testing. Allele origin: germline.
Comment: The p.T118S variant (also known as c.352A>T), located in coding exon 3 of the RB1 gene, results from an A to T substitution at nucleotide position 352. The threonine at codon 118 is replaced by serine, an amino acid with similar properties. This amino acid position is conserved. In addition, the in silico prediction for this alteration is inconclusive. Since supporting evidence is limited at this time, the clinical significance of this alteration remains unclear.

Fulgent Genetics
Classification: Uncertain significance for Malignant tumor of urinary bladder; Retinoblastoma; Small cell lung carcinoma; Bone osteosarcoma. Last evaluated: 2022-05-18. Review status: criteria provided, single submitter. Criteria: ACMG Guidelines, 2015. Collection method: clinical testing. Allele origin: unknown.